The following is an entry in ClinVar:

ClinVar aggregate classification (germline): Conflicting classifications of pathogenicity. Review status: criteria provided, conflicting classifications (1 of 4 stars). 3 submissions from 3 submitters: Uncertain significance (2); Likely benign (1). Last evaluated 2026-01-19.

Conditions:
CREBBP-related disorder. Also called: CREBBP-related condition; CREBBP-related disorders.
Rubinstein-Taybi syndrome (RSTS). Identifiers: Orphanet 783, MedGen C0035934, MONDO:0019188.

Allele frequency attached by ClinVar (database versions not stated): gnomAD exomes below 0.00001 and 0.00001; TOPMed below 0.00001; gnomAD 0.00001.
gnomAD v4.1: 6 of 1,614,158 alleles (0.00037%); highest among the groups gnomAD compares: Middle Eastern, 0.016%; no homozygotes.

Submissions (3):

Labcorp Genetics (formerly Invitae), Labcorp
Classification: Likely benign for Rubinstein-Taybi syndrome. Last evaluated: 2026-01-19. Review status: criteria provided, single submitter. Criteria: Invitae Variant Classification Sherloc (09022015). Collection method: clinical testing. Allele origin: germline.

PreventionGenetics, part of Exact Sciences
Classification: Uncertain significance for CREBBP-related condition. Last evaluated: 2025-04-24. Review status: criteria provided, single submitter. Criteria: ACMG Guidelines, 2015. Collection method: clinical testing. Allele origin: germline.
Comment: The CREBBP c.586A>G variant is predicted to result in the amino acid substitution p.Ser196Gly. To our knowledge, this variant has not been reported in the literature. This variant is reported in 0.00088% of alleles in individuals of European (Non-Finnish) descent in gnomAD. At this time, the clinical significance of this variant is uncertain due to the absence of conclusive functional and genetic evidence.

Eurofins Ntd Llc (ga)
Classification: Uncertain significance. Last evaluated: 2015-02-04. Review status: criteria provided, single submitter. Criteria: EGL Classification Definitions 2015. Collection method: clinical testing. Allele origin: germline. Observed: 2 variant alleles, 2 heterozygotes.

NM_004380.3(CREBBP):c.586A>G (p.Ser196Gly)

Gene: CREBBP (CREB binding lysine acetyltransferase; minus strand). Cytogenetic location: 16p13.3.
Variant type: single nucleotide variant.
Coding change: c.586A>G on transcript NM_004380.3 (MANE Select); coding-DNA position 586, A replaced by G.
Protein change: p.Ser196Gly; replaces serine 196 with glycine.
Molecular consequence: missense variant.
Genome position (GRCh38, 1-based): chr16:3,850,509, T>C on the plus strand (A>G on the coding strand, the complement: CREBBP is on the minus strand). VCF-style: chr16-3850509-T-C. GRCh37 (hg19) VCF-style: chr16-3900510-T-C.
Other names: c.586A>G, p.Ser196Gly (NM_001079846.1); c.586A>G (NM_004380.2); short protein forms S196G.
Identifiers: ClinVar variation 195217 (VCV000195217.9), dbSNP rs794727274, ClinGen allele CA241541.